The following is an entry in ClinVar:

ClinVar aggregate classification (germline): Uncertain significance (1 of 4 stars; one submission).

Conditions:
Familial sleep-related hypermotor epilepsy. Also called: Autosomal Dominant Sleep-Related Hypermotor (Hyperkinetic) Epilepsy. Identifiers: Orphanet 98784, MedGen C3696898, MONDO:0000030.

Submission:

Labcorp Genetics (formerly Invitae), Labcorp
Classification: Uncertain significance. Last evaluated: 2023-08-30. Review status: criteria provided, single submitter. Criteria: Invitae Variant Classification Sherloc (09022015). Collection method: clinical testing. Allele origin: germline.
Comment: This sequence change replaces arginine, which is basic and polar, with leucine, which is neutral and non-polar, at codon 324 of the CHRNB2 protein (p.Arg324Leu). Information on the frequency of this variant in the gnomAD database is not available, as this variant may be reported differently in the database. This variant has not been reported in the literature in individuals affected with CHRNB2-related conditions. An algorithm developed to predict the effect of missense changes on protein structure and function (PolyPhen-2) suggests that this variant is likely to be disruptive. In summary, the available evidence is currently insufficient to determine the role of this variant in disease. Therefore, it has been classified as a Variant of Uncertain Significance.

NM_000748.3(CHRNB2):c.971_972delinsTA (p.Arg324Leu)

Gene: CHRNB2 (cholinergic receptor nicotinic beta 2 subunit; plus strand). Cytogenetic location: 1q21.3.
Variant type: Indel.
Coding change: c.971_972delinsTA on transcript NM_000748.3 (MANE Select); coding-DNA positions 971 to 972, GC replaced by TA.
Protein change: p.Arg324Leu; replaces arginine 324 with leucine.
Molecular consequence: missense variant.
Genome position (GRCh38, 1-based): chr1:154,571,794-154,571,795, GC replaced by TA. VCF-style: chr1-154571794-GC-TA. GRCh37 (hg19) VCF-style: chr1-154544270-GC-TA.
Other names: short protein forms R324L.
Identifiers: ClinVar variation 2848336 (VCV002848336.3), dbSNP rs2526371060, ClinGen allele CA2739273582.
Genomic context (GRCh38, chr1:154,571,794, plus strand): 5'-CCATGGTGCTTGTCACCTTCTCCATCGTCACCAGCGTGTGCGTGCTCAACGTGCACCACC[GC>TA]TCGCCCACCACGCACACCATGGCGCCCTGGGTGAAGGTCGTCTTCCTGGAGAAGCTGCCC-3'
Protein context (NP_000739.1, residues 314-334): TSVCVLNVHH[Arg324Leu]SPTTHTMAPW